The following is an entry in ClinVar:

ClinVar aggregate classification (germline): Benign (3 of 4 stars; one submission).

Conditions:
Breast-ovarian cancer, familial, susceptibility to, 2 (BROVCA2). Also called: BRCA2 Hereditary Breast and Ovarian Cancer. Identifiers: Orphanet 145, MedGen C2675520, MONDO:0012933, OMIM 612555. Disease mechanism: loss of function.

Allele frequency attached by ClinVar (database versions not stated): TOPMed 0.00001; gnomAD 0.00003; 1000 Genomes Project 30x 0.00016; 1000 Genomes Project 0.00260.
gnomAD v4.1: 4 of 151,332 alleles (0.0026%); highest among the groups gnomAD compares: African/African-American, 0.0024%; no homozygotes.

Submission:

Evidence-based Network for the Interpretation of Germline Mutant Alleles (ENIGMA)
Classification: Benign for Breast-ovarian cancer, familial, susceptibility to, 2. Last evaluated: 2016-09-28. Review status: reviewed by expert panel. Criteria: ENIGMA BRCA1/2 Classification Criteria (2015). Collection method: curation. Allele origin: germline.
Comment: Class 1 not pathogenic based on frequency >1% in an outbred sampleset. Frequency 0.0101 (Admixed American/Latino), derived from 1000 genomes (2013-05-02).

NM_000059.4(BRCA2):c.8633-476T>A

Gene: BRCA2 (BRCA2 DNA repair associated; plus strand). Cytogenetic location: 13q13.1.
Variant type: single nucleotide variant.
Coding change: c.8633-476T>A on transcript NM_000059.4 (MANE Select); 476 bases into the intron before coding-DNA position 8633, T replaced by A.
Molecular consequence: intron variant.
Genome position (GRCh38, 1-based): chr13:32,376,194, T>A. VCF-style: chr13-32376194-T-A. GRCh37 (hg19) VCF-style: chr13-32950331-T-A.
Identifiers: ClinVar variation 264896 (VCV000264896.1), dbSNP rs542635026, ClinGen allele CA10588150.